The following is an entry in ClinVar:

NM_001478.5(B4GALNT1):c.713-11T>A

Gene: B4GALNT1 (beta-1,4-N-acetyl-galactosaminyltransferase 1; minus strand). Cytogenetic location: 12q13.3.
Variant type: single nucleotide variant.
Coding change: c.713-11T>A on transcript NM_001478.5 (MANE Select); 11 bases into the intron before coding-DNA position 713, T replaced by A.
Molecular consequence: intron variant.
Genome position (GRCh38, 1-based): chr12:57,629,157, A>T on the plus strand (T>A on the coding strand, the complement: B4GALNT1 is on the minus strand). VCF-style: chr12-57629157-A-T. GRCh37 (hg19) VCF-style: chr12-58022940-A-T.
Other names: c.548-11T>A (NM_001413978.1, NM_001276468.2); c.-275-11T>A (NM_001413984.1, NM_001413982.1, NM_001413981.1 and 1 more transcripts); c.713-254T>A (NM_001413977.1); c.713-11T>A (NM_001413970.1, NM_001413968.1, NM_001413967.1 and 7 more transcripts).
Identifiers: ClinVar variation 4725273 (VCV004725273.1).

ClinVar aggregate classification (germline): Uncertain significance (1 of 4 stars; one submission).

Conditions:
Spastic paraplegia. Identifiers: MedGen C0037772, HP:0001258.

Submission:

Labcorp Genetics (formerly Invitae), Labcorp
Classification: Uncertain significance for Spastic paraplegia. Last evaluated: 2025-10-23. Review status: criteria provided, single submitter. Criteria: Invitae Variant Classification Sherloc (09022015). Collection method: clinical testing. Allele origin: germline.
Comment: This sequence change falls in intron 6 of the B4GALNT1 gene. It does not directly change the encoded amino acid sequence of the B4GALNT1 protein. This variant is not present in population databases (gnomAD no frequency). This variant has not been reported in the literature in individuals affected with B4GALNT1-related conditions. Algorithms developed to predict the effect of sequence changes on RNA splicing suggest that this variant may disrupt the consensus splice site. In summary, the available evidence is currently insufficient to determine the role of this variant in disease. Therefore, it has been classified as a Variant of Uncertain Significance.